The following is an entry in ClinVar:

NM_052874.5(STX1B):c.540C>G (p.Ile180Met)

Gene: STX1B (syntaxin 1B; minus strand). Cytogenetic location: 16p11.2.
Variant type: single nucleotide variant.
Coding change: c.540C>G on transcript NM_052874.5 (MANE Select); coding-DNA position 540, C replaced by G.
Protein change: p.Ile180Met; replaces isoleucine 180 with methionine.
Molecular consequence: missense variant.
Genome position (GRCh38, 1-based): chr16:30,993,482, G>C on the plus strand (C>G on the coding strand, the complement: STX1B is on the minus strand). VCF-style: chr16-30993482-G-C. GRCh37 (hg19) VCF-style: chr16-31004803-G-C.
Other names: short protein forms I180M.
Identifiers: ClinVar variation 2826092 (VCV002826092.3), dbSNP rs2543955034, ClinGen allele CA395647595.

ClinVar aggregate classification (germline): Uncertain significance (1 of 4 stars; one submission).

Conditions:
Generalized epilepsy with febrile seizures plus, type 9 (GEFSP9). Also called: GEFS+, TYPE 9. Identifiers: Orphanet 36387, MedGen C4015395, MONDO:0014517, OMIM 616172.

Submission:

Labcorp Genetics (formerly Invitae), Labcorp
Classification: Uncertain significance for Generalized epilepsy with febrile seizures plus, type 9. Last evaluated: 2023-02-03. Review status: criteria provided, single submitter. Criteria: Invitae Variant Classification Sherloc (09022015). Collection method: clinical testing. Allele origin: germline.
Comment: This variant has not been reported in the literature in individuals affected with STX1B-related conditions. Algorithms developed to predict the effect of missense changes on protein structure and function are either unavailable or do not agree on the potential impact of this missense change (SIFT: "Deleterious"; PolyPhen-2: "Possibly Damaging"; Align-GVGD: "Class C0"). In summary, the available evidence is currently insufficient to determine the role of this variant in disease. Therefore, it has been classified as a Variant of Uncertain Significance. This variant is not present in population databases (gnomAD no frequency). This sequence change replaces isoleucine, which is neutral and non-polar, with methionine, which is neutral and non-polar, at codon 180 of the STX1B protein (p.Ile180Met).